The following is an entry in ClinVar:

NM_173543.3(DZIP1L):c.1765G>A (p.Ala589Thr)

Gene: DZIP1L (DAZ interacting zinc finger protein 1 like; minus strand). Cytogenetic location: 3q22.3.
Variant type: single nucleotide variant.
Coding change: c.1765G>A on transcript NM_173543.3 (MANE Select); coding-DNA position 1765, G replaced by A.
Protein change: p.Ala589Thr; replaces alanine 589 with threonine.
Molecular consequence: missense variant.
Genome position (GRCh38, 1-based): chr3:138,068,218, C>T on the plus strand (G>A on the coding strand, the complement: DZIP1L is on the minus strand). VCF-style: chr3-138068218-C-T. GRCh37 (hg19) VCF-style: chr3-137787060-C-T.
Other names: c.1765G>A (NM_173543.2); short protein forms A589T.
Identifiers: ClinVar variation 2419224 (VCV002419224.6), dbSNP rs138745459, ClinGen allele CA2634812.

ClinVar aggregate classification (germline): Conflicting classifications of pathogenicity. Review status: criteria provided, conflicting classifications (1 of 4 stars). 2 submissions from 2 submitters: Uncertain significance (1); Likely benign (1). Last evaluated 2024-06-03.

Conditions:
Inborn genetic diseases. Identifiers: MedGen C0950123, MeSH D030342.

Allele frequency attached by ClinVar (database versions not stated): ExAC 0.00008; ESP Exome Variant Server 0.00008; TOPMed 0.00012; gnomAD 0.00013; 1000 Genomes Project 30x 0.00016; 1000 Genomes Project 0.00020.
gnomAD v4.1: 55 of 1,591,344 alleles (0.0035%); highest among the groups gnomAD compares: African/African-American, 0.04%; no homozygotes.

Submissions (2):

Labcorp Genetics (formerly Invitae), Labcorp
Classification: Uncertain significance. Last evaluated: 2024-06-03. Review status: criteria provided, single submitter. Criteria: Invitae Variant Classification Sherloc (09022015). Collection method: clinical testing. Allele origin: germline.
Comment: This sequence change replaces alanine, which is neutral and non-polar, with threonine, which is neutral and polar, at codon 589 of the DZIP1L protein (p.Ala589Thr). The frequency data for this variant in the population databases is considered unreliable, as metrics indicate poor data quality at this position in the gnomAD database. This variant has not been reported in the literature in individuals affected with DZIP1L-related conditions. ClinVar contains an entry for this variant (Variation ID: 2419224). Algorithms developed to predict the effect of missense changes on protein structure and function output the following: SIFT: "Not Available"; PolyPhen-2: "Benign"; Align-GVGD: "Not Available". The threonine amino acid residue is found in multiple mammalian species, which suggests that this missense change does not adversely affect protein function. In summary, the available evidence is currently insufficient to determine the role of this variant in disease. Therefore, it has been classified as a Variant of Uncertain Significance.

Ambry Genetics
Classification: Likely benign for Inborn genetic diseases. Last evaluated: 2024-01-23. Review status: criteria provided, single submitter. Criteria: Ambry Variant Classification Scheme 2023. Collection method: clinical testing. Allele origin: germline.